The following is an entry in ClinVar:

ClinVar aggregate classification (germline): Uncertain significance. Review status: criteria provided, multiple submitters, no conflicts (2 of 4 stars). 2 submissions from 2 submitters: Uncertain significance (2). Last evaluated 2019-12-06.

Allele frequency attached by ClinVar (database versions not stated): gnomAD exomes below 0.00001; TOPMed below 0.00001; gnomAD 0.00001.
gnomAD v4.1: 2 of 1,614,030 alleles (0.00012%); highest among the groups gnomAD compares: African/African-American, 0.0027%; no homozygotes.

Submissions (2):

Labcorp Genetics (formerly Invitae), Labcorp
Classification: Uncertain significance. Last evaluated: 2019-12-06. Review status: criteria provided, single submitter. Criteria: Invitae Variant Classification Sherloc (09022015). Collection method: clinical testing. Allele origin: germline.
Comment: In summary, the available evidence is currently insufficient to determine the role of this variant in disease. Therefore, it has been classified as a Variant of Uncertain Significance. Algorithms developed to predict the effect of missense changes on protein structure and function output the following: SIFT: "Tolerated"; PolyPhen-2: "Benign"; Align-GVGD: "Class C0". The serine amino acid residue is found in multiple mammalian species, suggesting that this missense change does not adversely affect protein function. These predictions have not been confirmed by published functional studies and their clinical significance is uncertain. This variant has not been reported in the literature in individuals with USH2A-related conditions. This variant is not present in population databases (ExAC no frequency). This sequence change replaces proline with serine at codon 4014 of the USH2A protein (p.Pro4014Ser). The proline residue is weakly conserved and there is a moderate physicochemical difference between proline and serine.

Blueprint Genetics
Classification: Uncertain significance. Last evaluated: 2019-09-25. Review status: criteria provided, single submitter. Criteria: ACMG Guidelines, 2015. Collection method: clinical testing. Allele origin: germline.

NM_206933.4(USH2A):c.12040C>T (p.Pro4014Ser)

Gene: USH2A (usherin; minus strand). Cytogenetic location: 1q41.
Variant type: single nucleotide variant.
Coding change: c.12040C>T on transcript NM_206933.4 (MANE Select); coding-DNA position 12040, C replaced by T.
Protein change: p.Pro4014Ser; replaces proline 4014 with serine.
Molecular consequence: missense variant.
Genome position (GRCh38, 1-based): chr1:215,728,056, G>A on the plus strand (C>T on the coding strand, the complement: USH2A is on the minus strand). VCF-style: chr1-215728056-G-A. GRCh37 (hg19) VCF-style: chr1-215901398-G-A.
Other names: short protein forms P4014S.
Identifiers: ClinVar variation 862981 (VCV000862981.10), dbSNP rs1265251013, ClinGen allele CA344826841.